The following is an entry in ClinVar:

NM_052813.5(CARD9):c.1541G>C (p.Gly514Ala)

Gene: CARD9 (caspase recruitment domain family member 9; minus strand). Cytogenetic location: 9q34.3.
Variant type: single nucleotide variant.
Coding change: c.1541G>C on transcript NM_052813.5 (MANE Select); coding-DNA position 1541, G replaced by C.
Protein change: p.Gly514Ala; replaces glycine 514 with alanine.
Molecular consequence: missense variant. On other transcripts: intron variant (1).
Genome position (GRCh38, 1-based): chr9:136,364,372, C>G on the plus strand (G>C on the coding strand, the complement: CARD9 is on the minus strand). VCF-style: chr9-136364372-C-G. GRCh37 (hg19) VCF-style: chr9-139258824-C-G.
Other names: c.1441+181G>C (NM_052814.4); short protein forms G514A.
Identifiers: ClinVar variation 1015140 (VCV001015140.8), dbSNP rs1036710533, ClinGen allele CA201606105.

ClinVar aggregate classification (germline): Uncertain significance. Review status: criteria provided, multiple submitters, no conflicts (2 of 4 stars). 2 submissions from 2 submitters: Uncertain significance (2). Last evaluated 2025-09-08.

Conditions:
Predisposition to invasive fungal disease due to CARD9 deficiency (IMD103). Also called: IMMUNODEFICIENCY 103, SUSCEPTIBILITY TO FUNGAL INFECTIONS; Candidiasis, familial, 2, autosomal recessive; CARD9 IMMUNODEFICIENCY. Identifiers: Orphanet 457088, MedGen C1859353, MONDO:0008905, OMIM 212050.

Allele frequency attached by ClinVar (database versions not stated): TOPMed 0.00003.
gnomAD v4.1: 3 of 1,567,234 alleles (0.00019%); highest among the groups gnomAD compares: Admixed American, 0.0019%; no homozygotes.

Submissions (2):

Dasa
Classification: Uncertain significance for Predisposition to invasive fungal disease due to CARD9 deficiency. Last evaluated: 2025-09-08. Review status: criteria provided, single submitter. Criteria: DASA Assertion Criteria. Collection method: clinical testing. Allele origin: germline.
Comment: NM_052813.5(CARD9):c.1541G>C (p.Gly514Ala) is a missense variant that results in the substitution of glycine with alanine. This variant is rare in population databases. Computational prediction algorithms are consistent with a benign effect. The currently available literature and clinical evidence are not sufficient to establish a definitive association between this variant and the reported condition. Therefore, this variant is classified as a variant of uncertain significance.

Labcorp Genetics (formerly Invitae), Labcorp
Classification: Uncertain significance for Predisposition to invasive fungal disease due to CARD9 deficiency. Last evaluated: 2022-07-20. Review status: criteria provided, single submitter. Criteria: Invitae Variant Classification Sherloc (09022015). Collection method: clinical testing. Allele origin: germline.
Comment: This sequence change replaces glycine, which is neutral and non-polar, with alanine, which is neutral and non-polar, at codon 514 of the CARD9 protein (p.Gly514Ala). This variant is not present in population databases (gnomAD no frequency). This variant has not been reported in the literature in individuals affected with CARD9-related conditions. ClinVar contains an entry for this variant (Variation ID: 1015140). Algorithms developed to predict the effect of missense changes on protein structure and function (SIFT, PolyPhen-2, Align-GVGD) all suggest that this variant is likely to be tolerated. In summary, the available evidence is currently insufficient to determine the role of this variant in disease. Therefore, it has been classified as a Variant of Uncertain Significance.